The following is an entry in ClinVar:

ClinVar aggregate classification (germline): Uncertain significance. Review status: criteria provided, multiple submitters, no conflicts (2 of 4 stars). 3 submissions from 3 submitters: Uncertain significance (3). Last evaluated 2025-10-21.

Conditions:
Cataract 38. Also called: Cataract 38, autosomal recessive; Cataract, autosomal recessive congenital 5. Identifiers: Orphanet 91492, MedGen C3553494, MONDO:0013859, OMIM 614691.
Sengers syndrome. Also called: MITOCHONDRIAL DNA DEPLETION SYNDROME 10 (CARDIOMYOPATHIC TYPE); Cardiomyopathy and cataract. Identifiers: Orphanet 1369, MedGen C1859317, MONDO:0008922, OMIM 212350.
Inborn genetic diseases. Identifiers: MedGen C0950123, MeSH D030342.

Allele frequency attached by ClinVar (database versions not stated): gnomAD 0.00004; TOPMed 0.00005; ESP Exome Variant Server 0.00008; ExAC 0.00009; 1000 Genomes Project 30x 0.00016; 1000 Genomes Project 0.00020.
gnomAD v4.1: 55 of 1,581,708 alleles (0.0035%); highest among the groups gnomAD compares: East Asian, 0.0046%; no homozygotes.

Submissions (3):

Ambry Genetics
Classification: Uncertain significance for Inborn genetic diseases. Last evaluated: 2025-10-21. Review status: criteria provided, single submitter. Criteria: Ambry Variant Classification Scheme 2023. Collection method: clinical testing. Allele origin: germline.

CeGaT Center for Human Genetics Tuebingen
Classification: Uncertain significance. Last evaluated: 2025-06-01. Review status: criteria provided, single submitter. Criteria: CeGaT Center For Human Genetics Tuebingen Variant Classification Criteria Version 2. Collection method: clinical testing. Allele origin: germline. Affected: yes. Observed: 1 variant allele.
Comment: AGK: PM2, BP1, BP4

Labcorp Genetics (formerly Invitae), Labcorp
Classification: Uncertain significance for Sengers syndrome; Cataract 38. Last evaluated: 2021-12-25. Review status: criteria provided, single submitter. Criteria: Invitae Variant Classification Sherloc (09022015). Collection method: clinical testing. Allele origin: germline.
Comment: This sequence change replaces proline, which is neutral and non-polar, with leucine, which is neutral and non-polar, at codon 300 of the AGK protein (p.Pro300Leu). The frequency data for this variant in the population databases is considered unreliable, as metrics indicate poor data quality at this position in the gnomAD database. This variant has not been reported in the literature in individuals affected with AGK-related conditions. Algorithms developed to predict the effect of missense changes on protein structure and function (SIFT, PolyPhen-2, Align-GVGD) all suggest that this variant is likely to be tolerated. In summary, the available evidence is currently insufficient to determine the role of this variant in disease. Therefore, it has been classified as a Variant of Uncertain Significance.

NM_018238.4(AGK):c.899C>T (p.Pro300Leu)

Gene: AGK (acylglycerol kinase; plus strand). Cytogenetic location: 7q34.
Variant type: single nucleotide variant.
Coding change: c.899C>T on transcript NM_018238.4 (MANE Select); coding-DNA position 899, C replaced by T.
Protein change: p.Pro300Leu; replaces proline 300 with leucine.
Molecular consequence: missense variant.
Genome position (GRCh38, 1-based): chr7:141,641,832, C>T. VCF-style: chr7-141641832-C-T. GRCh37 (hg19) VCF-style: chr7-141341632-C-T.
Other names: c.899C>T, p.Pro300Leu (NM_001364948.3); c.899C>T (NM_018238.3); short protein forms P300L.
Identifiers: ClinVar variation 2427756 (VCV002427756.13), dbSNP rs143558063, ClinGen allele CA4517618.